The following is an entry in ClinVar:

NM_001042492.3(NF1):c.3765A>G (p.Gln1255=)

Gene: NF1 (neurofibromin 1; plus strand). Cytogenetic location: 17q11.2.
Variant type: single nucleotide variant.
Coding change: c.3765A>G on transcript NM_001042492.3 (MANE Select); coding-DNA position 3765, A replaced by G.
Protein change: p.Gln1255=; no amino-acid change (glutamine 1255 retained).
Molecular consequence: synonymous variant.
Genome position (GRCh38, 1-based): chr17:31,235,667, A>G. VCF-style: chr17-31235667-A-G. GRCh37 (hg19) VCF-style: chr17-29562685-A-G.
Other names: c.3765A>G, p.Gln1255= (NM_000267.4).
Identifiers: ClinVar variation 184300 (VCV000184300.27), dbSNP rs766896025, ClinGen allele CA188533.

ClinVar aggregate classification (germline): Conflicting classifications of pathogenicity. Review status: criteria provided, conflicting classifications (1 of 4 stars). 8 submissions from 7 submitters: Uncertain significance (2); Benign (1); Likely benign (5). Last evaluated 2026-05-19.

Conditions:
Hereditary cancer-predisposing syndrome. Also called: Tumor predisposition; Neoplastic Syndromes, Hereditary; Hereditary Cancer Syndrome; Hereditary neoplastic syndrome. Identifiers: Orphanet 140162, MedGen C0027672, MeSH D009386, MONDO:0015356.
Cardiovascular phenotype. Identifiers: MedGen CN230736.
NF1-related disorder. Also called: NF1-related condition. Identifiers: MedGen CN379171.
Neurofibromatosis, type 1 (NF1). Also called: Peripheral type neurofibromatosis; Neurofibromatosis, type I; NEUROFIBROMATOSIS, TYPE I, SOMATIC; VON RECKLINGHAUSEN DISEASE. Identifiers: Orphanet 636, MedGen C0027831, MONDO:0018975, OMIM 162200. Disease mechanism: loss of function.

Allele frequency attached by ClinVar (database versions not stated): gnomAD exomes 0.00002 and 0.00003; TOPMed 0.00003; ExAC 0.00002; gnomAD 0.00002.
gnomAD v4.1: 26 of 1,613,894 alleles (0.0016%); highest among the groups gnomAD compares: Middle Eastern, 0.016%; no homozygotes.

Submissions (9):

Myriad Genetics, Inc.
Classification: Benign for Neurofibromatosis, type 1. Last evaluated: 2026-05-19. Review status: criteria provided, single submitter. Criteria: Myriad Autosomal Dominant, Autosomal Recessive and X-Linked Classification Criteria (2023). Collection method: clinical testing. Allele origin: unknown.
Comment: This variant is considered benign. This variant is a silent/synonymous amino acid change and it is not expected to impact splicing.

Labcorp Genetics (formerly Invitae), Labcorp
Classification: Likely benign for Neurofibromatosis, type 1. Last evaluated: 2026-01-16. Review status: criteria provided, single submitter. Criteria: Invitae Variant Classification Sherloc (09022015). Collection method: clinical testing. Allele origin: germline.

PreventionGenetics, part of Exact Sciences
Classification: Likely benign for NF1-related condition. Last evaluated: 2025-12-20. Review status: criteria provided, single submitter. Criteria: ACMG Guidelines, 2015. Collection method: clinical testing. Allele origin: germline.
Comment: This variant is classified as likely benign based on ACMG/AMP sequence variant interpretation guidelines (Richards et al. 2015 PMID: 25741868, with internal and published modifications).

CeGaT Center for Human Genetics Tuebingen
Classification: Likely benign. Last evaluated: 2025-09-01. Review status: criteria provided, single submitter. Criteria: CeGaT Center For Human Genetics Tuebingen Variant Classification Criteria Version 2. Collection method: clinical testing. Allele origin: germline. Affected: yes. Observed: 1 variant allele.
Comment: NF1: BP4, BP7

Ambry Genetics
Classification: Likely benign for Cardiovascular phenotype; Hereditary cancer-predisposing syndrome. Last evaluated: 2025-02-14. Review status: criteria provided, single submitter. Criteria: Ambry Variant Classification Scheme 2023. Collection method: clinical testing. Allele origin: germline.

Sema4
Classification: Uncertain significance for Hereditary cancer-predisposing syndrome. Last evaluated: 2022-03-01. Review status: criteria provided, single submitter. Criteria: Sema4 Curation Guidelines. Collection method: curation. Allele origin: germline.
Comment: The NF1 c.3765A>G (p.Q1255=) variant has been reported in 1/12,490 unaffected male controls but not in female and male breast cancer cases in a large case control study in individuals of Japanese ancestry (PMID 30287823). This variant was observed in 4/30614 chromosomes in the South Asian population, according to the Genome Aggregation Database (PMID 32461654). The variant has been reported in ClinVar (Variation ID 184300). In silico tools that predict the effect of sequence changes on splicing suggest that this variant may impact splicing, though these predictions have not been confirmed by functional studies. The evidence is insufficient to meet ACMG/AMP criteria for classifying the variant as benign or pathogenic. Thus, the clinical significance of this variant is currently uncertain.

GeneDx
Classification: Uncertain significance. Last evaluated: 2021-10-28. Review status: criteria provided, single submitter. Criteria: GeneDx Variant Classification Process June 2021. Collection method: clinical testing. Allele origin: germline. Affected: yes.
Comment: In silico analysis, which includes splice predictors and evolutionary conservation, suggests this variant may impact gene splicing. In the absence of RNA/functional studies, the actual effect of this sequence change is unknown.; Identified in unaffected controls, but not in any cases in a breast cancer study (Momozawa 2018); This variant is associated with the following publications: (PMID: 30287823)

Ambry Genetics
Classification: Likely benign for Hereditary cancer-predisposing syndrome. Last evaluated: 2014-11-05. Review status: criteria provided, single submitter. Criteria: Ambry Autosomal Dominant and X-Linked criteria (10/2015). Collection method: clinical testing. Allele origin: germline. Observed: 1 variant allele.

Dr. Peter K. Rogan Lab, Western University
No classification provided (evidence only). Condition: Acute myeloid leukemia. Review status: no classification provided. Collection method: in vitro. Allele origin: not applicable. Functional consequence: retained intron. Not counted in ClinVar's aggregate classification.

Literature cited by the submitters: PubMed 30287823 (cited by Sema4).